The following is an entry in ClinVar:

ClinVar aggregate classification (germline): Pathogenic. Review status: criteria provided, multiple submitters, no conflicts (2 of 4 stars). 2 submissions from 2 submitters: Pathogenic (2). Last evaluated 2024-01-09.

Conditions:
Familial cancer of breast. Also called: Hereditary breast cancer; BREAST CANCER, FAMILIAL; hereditary breast carcinoma. Identifiers: Orphanet 227535, MedGen C0346153, MONDO:0016419, OMIM 114480. Disease mechanism: loss of function.
Hereditary cancer-predisposing syndrome. Also called: Tumor predisposition; Hereditary neoplastic syndrome; Neoplastic Syndromes, Hereditary; Hereditary Cancer Syndrome. Identifiers: Orphanet 140162, MedGen C0027672, MeSH D009386, MONDO:0015356.

Submissions (2):

Myriad Genetics, Inc.
Classification: Pathogenic for Familial cancer of breast. Last evaluated: 2024-01-09. Review status: criteria provided, single submitter. Criteria: Myriad Autosomal Dominant, Autosomal Recessive and X-Linked Classification Criteria (2023). Collection method: clinical testing. Allele origin: unknown.
Comment: This variant is considered pathogenic. This variant creates a frameshift predicted to result in premature protein truncation.

Color Diagnostics, LLC DBA Color Health
Classification: Pathogenic for Hereditary cancer-predisposing syndrome. Last evaluated: 2020-01-15. Review status: criteria provided, single submitter. Criteria: ACMG Guidelines, 2015. Collection method: clinical testing. Allele origin: germline.
Comment: This variant inserts 1 nucleotide in exon 40 of the ATM gene, creating a frameshift and premature translation stop signal. This variant is expected to result in an absent or non-functional protein product. This variant has not been identified in the general population by the Genome Aggregation Database (gnomAD). Loss of ATM function is a known mechanism of disease. Based on the available evidence, this variant is classified as Pathogenic.

NM_000051.4(ATM):c.5982dup (p.Glu1995fs)

Genes: ATM (ATM serine/threonine kinase; plus strand), C11orf65 (chromosome 11 open reading frame 65; minus strand). Cytogenetic location: 11q22.3.
Variant type: Duplication.
Coding change: c.5982dup on transcript NM_000051.4 (MANE Select); coding-DNA position 5982, one base duplicated (A; older notation c.5982dupA).
Protein change: p.Glu1995fs; shifts the reading frame from glutamic acid 1995.
Molecular consequence: frameshift variant. On other transcripts: intron variant (2).
Genome position (GRCh38, 1-based): chr11:108,312,474, A duplicated; the last of 3 consecutive A bases (chr11:108,312,472-108,312,474); duplicating any one gives the same sequence. VCF-style (leftmost placement, unchanged base first): chr11-108312471-T-TA. GRCh37 (hg19) VCF-style: chr11-108183198-T-TA.
Other names: c.5982dup, p.Glu1995fs (NM_001351834.2); c.641-3401dup (NM_001330368.2); c.*39-3401dup (NM_001351110.2); short protein forms E1995fs.
Identifiers: ClinVar variation 629081 (VCV000629081.7), dbSNP rs1555111855, ClinGen allele CA913188501.